The following is an entry in ClinVar:

NM_015089.4(CUL9):c.6013T>C (p.Leu2005=)

Gene: CUL9 (cullin 9; plus strand). Cytogenetic location: 6p21.1.
Variant type: single nucleotide variant.
Coding change: c.6013T>C on transcript NM_015089.4 (MANE Select); coding-DNA position 6013, T replaced by C.
Protein change: p.Leu2005=; no amino-acid change (leucine 2005 retained).
Molecular consequence: synonymous variant.
Genome position (GRCh38, 1-based): chr6:43,216,234, T>C. VCF-style: chr6-43216234-T-C. GRCh37 (hg19) VCF-style: chr6-43183972-T-C.
Identifiers: ClinVar variation 3042516 (VCV003042516.2), dbSNP rs61741999, ClinGen allele CA3818543.
Genomic context (GRCh38, chr6:43,216,234, plus strand): 5'-ACCCTGGCATCTCTACAGCTGCCTGCAGGCCGCACCATGAGCCCCCAGGAAGTAGAAGGG[T>C]TGATGAAGCAGACGGTGCGTCAGGTGCAGGAGACGCTGAACTTAGAGCCAGATGTCGCTC-3'
Protein context (NP_055904.1, residues 1995-2015): RTMSPQEVEG[Leu2005=]MKQTVRQVQE

ClinVar aggregate classification (germline): Likely benign (0 of 4 stars; one submission).

Conditions:
CUL9-related disorder. Also called: CUL9-related condition.

Allele frequency attached by ClinVar (database versions not stated): ESP Exome Variant Server 0.00115; gnomAD 0.00171; TOPMed 0.00179; gnomAD exomes 0.00186; 1000 Genomes Project 30x 0.00203; 1000 Genomes Project 0.00240; ExAC 0.00261.
gnomAD v4.1: 2,997 of 1,613,630 alleles (0.19%); highest among the groups gnomAD compares: South Asian, 0.93%; 21 homozygotes.

Submission:

PreventionGenetics, part of Exact Sciences
Classification: Likely benign for CUL9-related condition. Last evaluated: 2019-02-20. Review status: no assertion criteria provided. Collection method: clinical testing. Allele origin: germline.
Comment: This variant is classified as likely benign based on ACMG/AMP sequence variant interpretation guidelines (Richards et al. 2015 PMID: 25741868, with internal and published modifications).